The following is an entry in ClinVar:

ClinVar aggregate classification (germline): Uncertain significance (1 of 4 stars; one submission).

Conditions:
Geroderma osteodysplastica (GO). Also called: WALT DISNEY DWARFISM; Geroderma osteodysplasticum. Identifiers: Orphanet 2078, MedGen C0432255, MONDO:0009271, OMIM 231070.

Submission:

Centre for Mendelian Genomics, University Medical Centre Ljubljana
Classification: Uncertain significance for Geroderma osteodysplastica. Last evaluated: 2016-01-01. Review status: criteria provided, single submitter. Criteria: ACMG Guidelines, 2015. Collection method: clinical testing. Allele origin: unknown. Affected: yes.
Comment: This variant was classified as: Uncertain significance. The following ACMG criteria were applied in classifying this variant: PM2,PP3. This variant was detected in homozygous state.

NM_152281.3(GORAB):c.61G>T (p.Asp21Tyr)

Genes: GORAB (golgin, RAB6 interacting; plus strand), GORAB-AS1 (GORAB antisense RNA 1; minus strand). Cytogenetic location: 1q24.2.
Variant type: single nucleotide variant.
Coding change: c.61G>T on transcript NM_152281.3 (MANE Select); coding-DNA position 61, G replaced by T.
Protein change: p.Asp21Tyr; replaces aspartic acid 21 with tyrosine.
Molecular consequence: missense variant. On other transcripts: 5 prime UTR variant (1), non-coding transcript variant (1).
Genome position (GRCh38, 1-based): chr1:170,532,284, G>T. VCF-style: chr1-170532284-G-T. GRCh37 (hg19) VCF-style: chr1-170501425-G-T.
Other names: c.61G>T, p.Asp21Tyr (NM_001146039.2); c.-705G>T (NM_001320252.2); short protein forms D21Y.
Identifiers: ClinVar variation 931046 (VCV000931046.3), dbSNP rs1648727549, ClinGen allele CA343160346.